The following is an entry in ClinVar:

NM_152618.3(BBS12):c.2094G>C (p.Gln698His)

Gene: BBS12 (Bardet-Biedl syndrome 12; plus strand). Cytogenetic location: 4q27.
Variant type: single nucleotide variant.
Coding change: c.2094G>C on transcript NM_152618.3 (MANE Select); coding-DNA position 2094, G replaced by C.
Protein change: p.Gln698His; replaces glutamine 698 with histidine.
Molecular consequence: missense variant.
Genome position (GRCh38, 1-based): chr4:122,743,986, G>C. VCF-style: chr4-122743986-G-C. GRCh37 (hg19) VCF-style: chr4-123665141-G-C.
Other names: c.2094G>C (NM_152618.2); c.2094G>C, p.Gln698His (NM_001178007.2); short protein forms Q698H.
Identifiers: ClinVar variation 1052384 (VCV001052384.6), dbSNP rs373082306, ClinGen allele CA3069564.

ClinVar aggregate classification (germline): Uncertain significance. Review status: criteria provided, multiple submitters, no conflicts (2 of 4 stars). 4 submissions from 4 submitters: Uncertain significance (3). 1 of the submissions does not count toward it. Last evaluated 2026-04-14.

Conditions:
Bardet-Biedl syndrome (BBS). Identifiers: Orphanet 110, MedGen C0752166, MONDO:0015229.
BBS12-related disorder. Also called: BBS12-related condition.
Inborn genetic diseases. Identifiers: MedGen C0950123, MeSH D030342.
Bardet-Biedl syndrome 12 (BBS12). Identifiers: Orphanet 110, MedGen C1859570, MONDO:0014440, OMIM 615989.

Allele frequency attached by ClinVar (database versions not stated): gnomAD 0.00003 and 0.00004; ExAC 0.00004; TOPMed 0.00005; ESP Exome Variant Server 0.00015.
gnomAD v4.1: 23 of 1,613,952 alleles (0.0014%); highest among the groups gnomAD compares: Admixed American, 0.012%; no homozygotes.

Submissions (4):

PreventionGenetics, part of Exact Sciences
Classification: Uncertain significance for BBS12-related condition. Last evaluated: 2026-04-14. Review status: criteria provided, single submitter. Criteria: ACMG Guidelines, 2015. Collection method: clinical testing. Allele origin: germline.
Comment: The BBS12 c.2094G>C variant is predicted to result in the amino acid substitution p.Gln698His. To our knowledge, this variant has not been reported in the literature. This variant is reported in 0.025% of alleles in individuals of African descent in gnomAD. At this time, the clinical significance of this variant is uncertain due to the absence of conclusive functional and genetic evidence.

Ambry Genetics
Classification: Uncertain significance for Inborn genetic diseases. Last evaluated: 2025-06-03. Review status: criteria provided, single submitter. Criteria: Ambry Variant Classification Scheme 2023. Collection method: clinical testing. Allele origin: germline.

Labcorp Genetics (formerly Invitae), Labcorp
Classification: Uncertain significance for Bardet-Biedl syndrome. Last evaluated: 2025-01-23. Review status: criteria provided, single submitter. Criteria: Invitae Variant Classification Sherloc (09022015). Collection method: clinical testing. Allele origin: germline.
Comment: This sequence change replaces glutamine, which is neutral and polar, with histidine, which is basic and polar, at codon 698 of the BBS12 protein (p.Gln698His). This variant is present in population databases (rs373082306, gnomAD 0.03%). This variant has not been reported in the literature in individuals affected with BBS12-related conditions. ClinVar contains an entry for this variant (Variation ID: 1052384). Invitae Evidence Modeling of protein sequence and biophysical properties (such as structural, functional, and spatial information, amino acid conservation, physicochemical variation, residue mobility, and thermodynamic stability) indicates that this missense variant is expected to disrupt BBS12 protein function with a positive predictive value of 80%. In summary, the available evidence is currently insufficient to determine the role of this variant in disease. Therefore, it has been classified as a Variant of Uncertain Significance.

Natera, Inc.
Classification: Uncertain significance for Bardet-Biedl syndrome type 12. Last evaluated: 2020-04-14. Review status: no assertion criteria provided. Collection method: clinical testing. Allele origin: germline. Not counted in ClinVar's aggregate classification.